The following is an entry in ClinVar:

ClinVar aggregate classification (germline): Uncertain significance. Review status: criteria provided, multiple submitters, no conflicts (2 of 4 stars). 3 submissions from 3 submitters: Uncertain significance (3). Last evaluated 2026-07-30.

Conditions:
VPS13B-related disorder. Also called: VPS13B-related condition.
Inborn genetic diseases. Identifiers: MedGen C0950123, MeSH D030342.
Cohen syndrome (COH1). Also called: PEPPER SYNDROME; Cutis verticis gyrata, retinitis pigmentosa, and sensorineural deafness. Identifiers: Orphanet 193, MedGen C0265223, MONDO:0008999, OMIM 216550.

Allele frequency attached by ClinVar (database versions not stated): gnomAD 0.00001; gnomAD exomes 0.00001; TOPMed 0.00001; ExAC 0.00004.
gnomAD v4.1: 13 of 1,574,818 alleles (0.00083%); highest among the groups gnomAD compares: South Asian, 0.0079%; no homozygotes.

Submissions (3):

PreventionGenetics, part of Exact Sciences
Classification: Uncertain significance for VPS13B-related condition. Last evaluated: 2026-07-30. Review status: criteria provided, single submitter. Criteria: ACMG Guidelines, 2015. Collection method: clinical testing. Allele origin: germline.
Comment: The VPS13B c.9386C>G variant is predicted to result in the amino acid substitution p.Pro3129Arg. To our knowledge, this variant has not been reported in the literature. This variant is reported in 0.0070% of alleles in individuals of South Asian descent in gnomAD. At this time, the clinical significance of this variant is uncertain due to the absence of conclusive functional and genetic evidence.

Ambry Genetics
Classification: Uncertain significance for Inborn genetic diseases. Last evaluated: 2025-08-21. Review status: criteria provided, single submitter. Criteria: Ambry Variant Classification Scheme 2023. Collection method: clinical testing. Allele origin: germline.

Labcorp Genetics (formerly Invitae), Labcorp
Classification: Uncertain significance for Cohen syndrome. Last evaluated: 2025-08-10. Review status: criteria provided, single submitter. Criteria: Invitae Variant Classification Sherloc (09022015). Collection method: clinical testing. Allele origin: germline.
Comment: This sequence change replaces proline, which is neutral and non-polar, with arginine, which is basic and polar, at codon 3154 of the VPS13B protein (p.Pro3154Arg). This variant is present in population databases (rs768089068, gnomAD 0.007%). This variant has not been reported in the literature in individuals affected with VPS13B-related conditions. ClinVar contains an entry for this variant (Variation ID: 2161660). Invitae Evidence Modeling of protein sequence and biophysical properties (such as structural, functional, and spatial information, amino acid conservation, physicochemical variation, residue mobility, and thermodynamic stability) indicates that this missense variant is not expected to disrupt VPS13B protein function with a negative predictive value of 80%. In summary, the available evidence is currently insufficient to determine the role of this variant in disease. Therefore, it has been classified as a Variant of Uncertain Significance.

NM_152564.5(VPS13B):c.9386C>G (p.Pro3129Arg)

Gene: VPS13B (vacuolar protein sorting 13 homolog B; plus strand). Cytogenetic location: 8q22.2.
Variant type: single nucleotide variant.
Coding change: c.9386C>G on transcript NM_152564.5 (MANE Select); coding-DNA position 9386, C replaced by G.
Protein change: p.Pro3129Arg; replaces proline 3129 with arginine.
Molecular consequence: missense variant.
Genome position (GRCh38, 1-based): chr8:99,832,424, C>G. VCF-style: chr8-99832424-C-G. GRCh37 (hg19) VCF-style: chr8-100844652-C-G.
Other names: c.9461C>G (NM_017890.3); c.9461C>G, p.Pro3154Arg (NM_017890.5); short protein forms P3154R, P3129R.
Identifiers: ClinVar variation 2161660 (VCV002161660.4), dbSNP rs768089068, ClinGen allele CA4824704.